The following is an entry in ClinVar:

NM_001286611.2(REPS1):c.1052T>C (p.Val351Ala)

Gene: REPS1 (RALBP1 associated Eps domain containing 1; minus strand). Cytogenetic location: 6q24.1.
Variant type: single nucleotide variant.
Coding change: c.1052T>C on transcript NM_001286611.2 (MANE Select); coding-DNA position 1052, T replaced by C.
Protein change: p.Val351Ala; replaces valine 351 with alanine.
Molecular consequence: missense variant.
Genome position (GRCh38, 1-based): chr6:138,941,418, A>G on the plus strand (T>C on the coding strand, the complement: REPS1 is on the minus strand). VCF-style: chr6-138941418-A-G. GRCh37 (hg19) VCF-style: chr6-139262555-A-G.
Other names: c.1052T>C, p.Val351Ala (NM_001128617.3, NM_001286612.2, NM_031922.5); short protein forms V351A.
Identifiers: ClinVar variation 2792455 (VCV002792455.3), dbSNP rs1407348068, ClinGen allele CA365812781.
Genomic context (GRCh38, chr6:138,941,418, plus strand): 5'-AGTTTGGGCATTAAGCTTTCAGGAAGTTTTTCTGGTAAATCATAGCCATTCTTCCTAGCA[A>G]CCACCAGATGAAAAGCAGCACAAAACTCATCCAGTGTCAATGCACCATCTTTATCAAAGT-3'
Protein context (NP_001273540.1, residues 341-361): DEFCAAFHLV[Val351Ala]ARKNGYDLPE

ClinVar aggregate classification (germline): Uncertain significance (1 of 4 stars; one submission).

Allele frequency attached by ClinVar (database versions not stated): gnomAD exomes 0.00001.

Submission:

Labcorp Genetics (formerly Invitae), Labcorp
Classification: Uncertain significance. Last evaluated: 2023-11-16. Review status: criteria provided, single submitter. Criteria: Invitae Variant Classification Sherloc (09022015). Collection method: clinical testing. Allele origin: germline.
Comment: This sequence change replaces valine, which is neutral and non-polar, with alanine, which is neutral and non-polar, at codon 351 of the REPS1 protein (p.Val351Ala). This variant is present in population databases (no rsID available, gnomAD 0.0009%). This variant has not been reported in the literature in individuals affected with REPS1-related conditions. Advanced modeling of protein sequence and biophysical properties (such as structural, functional, and spatial information, amino acid conservation, physicochemical variation, residue mobility, and thermodynamic stability) performed at Invitae indicates that this missense variant is expected to disrupt REPS1 protein function with a positive predictive value of 80%. In summary, the available evidence is currently insufficient to determine the role of this variant in disease. Therefore, it has been classified as a Variant of Uncertain Significance.